The following is an entry in ClinVar:

ClinVar aggregate classification (germline): Uncertain significance (1 of 4 stars; one submission).

gnomAD v4.1: 2 of 1,613,830 alleles (0.00012%); highest among the groups gnomAD compares: South Asian, 0.0022%; no homozygotes.

Submission:

GeneDx
Classification: Uncertain significance. Last evaluated: 2025-05-16. Review status: criteria provided, single submitter. Criteria: GeneDx Variant Classification Process June 2021. Collection method: clinical testing. Allele origin: germline. Affected: yes.
Comment: Not observed at significant frequency in large population cohorts (gnomAD); In silico analysis supports that this missense variant has a deleterious effect on protein structure/function; Has not been previously published as pathogenic or benign to our knowledge

NM_198904.4(GABRG2):c.1172G>T (p.Arg391Leu)

Gene: GABRG2 (gamma-aminobutyric acid type A receptor subunit gamma2; plus strand). Cytogenetic location: 5q34.
Variant type: single nucleotide variant.
Coding change: c.1172G>T on transcript NM_198904.4 (MANE Select); coding-DNA position 1172, G replaced by T.
Protein change: p.Arg391Leu; replaces arginine 391 with leucine.
Molecular consequence: missense variant. On other transcripts: 3 prime UTR variant (1).
Genome position (GRCh38, 1-based): chr5:162,153,112, G>T. VCF-style: chr5-162153112-G-T. GRCh37 (hg19) VCF-style: chr5-161580118-G-T.
Other names: c.1145G>T, p.Arg382Leu (NM_001375342.1); c.1268G>T, p.Arg423Leu (NM_001375343.1); c.1211G>T, p.Arg404Leu (NM_001375344.1); c.1082G>T, p.Arg361Leu (NM_001375345.1); c.1106G>T, p.Arg369Leu (NM_001375346.1); c.1085G>T, p.Arg362Leu (NM_001375347.1); c.728G>T, p.Arg243Leu (NM_001375348.1); c.863G>T, p.Arg288Leu (NM_001375349.1); and 6 more; short protein forms R243L, R251L, R288L, R361L, R362L, R369L, R382L, R383L.
Identifiers: ClinVar variation 4529646 (VCV004529646.1).
Genomic context (GRCh38, chr5:162,153,112, plus strand): 5'-AACAACTAACTGATCCCTCTCCTTCCCTACCCTCGTCCCAGGCCCCTACCATTGATATCC[G>T]CCCAAGATCAGCAACCATTCAAATGAATAATGCTACACACCTTCAAGAGAGAGATGAAGA-3'
Protein context (NP_944494.1, residues 381-401): FSFKAPTIDI[Arg391Leu]PRSATIQMNN